The following is an entry in ClinVar:

ClinVar aggregate classification (germline): Uncertain significance. Review status: criteria provided, multiple submitters, no conflicts (2 of 4 stars). 4 submissions from 4 submitters: Uncertain significance (4). Last evaluated 2026-01-16.

Conditions:
DMXL2-related disorder. Also called: DMXL2-related condition.
Inborn genetic diseases. Identifiers: MedGen C0950123, MeSH D030342.

Allele frequency attached by ClinVar (database versions not stated): TOPMed below 0.00001; gnomAD exomes 0.00001 and 0.00002; ExAC 0.00002.
gnomAD v4.1: 19 of 1,614,088 alleles (0.0012%); highest among the groups gnomAD compares: Admixed American, 0.005%; no homozygotes.

Submissions (4):

PreventionGenetics, part of Exact Sciences
Classification: Uncertain significance for DMXL2-related condition. Last evaluated: 2026-01-16. Review status: criteria provided, single submitter. Criteria: ACMG Guidelines, 2015. Collection method: clinical testing. Allele origin: germline.
Comment: The DMXL2 c.8383C>T variant is predicted to result in the amino acid substitution p.Arg2795Trp. To our knowledge, this variant has not been reported in the literature. This variant is reported in 0.0085% of alleles in individuals of Latino descent in gnomAD. At this time, the clinical significance of this variant is uncertain due to the absence of conclusive functional and genetic evidence.

GeneDx
Classification: Uncertain significance. Last evaluated: 2024-12-31. Review status: criteria provided, single submitter. Criteria: GeneDx Variant Classification Process June 2021. Collection method: clinical testing. Allele origin: germline. Affected: yes.
Comment: In silico analysis supports that this missense variant has a deleterious effect on protein structure/function; Has not been previously published as pathogenic or benign to our knowledge

Ambry Genetics
Classification: Uncertain significance for Inborn genetic diseases. Last evaluated: 2024-04-12. Review status: criteria provided, single submitter. Criteria: Ambry Variant Classification Scheme 2023. Collection method: clinical testing. Allele origin: germline.

Labcorp Genetics (formerly Invitae), Labcorp
Classification: Uncertain significance. Last evaluated: 2023-08-30. Review status: criteria provided, single submitter. Criteria: Invitae Variant Classification Sherloc (09022015). Collection method: clinical testing. Allele origin: germline.
Comment: In summary, the available evidence is currently insufficient to determine the role of this variant in disease. Therefore, it has been classified as a Variant of Uncertain Significance. An algorithm developed to predict the effect of missense changes on protein structure and function (PolyPhen-2) suggests that this variant is likely to be disruptive. ClinVar contains an entry for this variant (Variation ID: 1484033). This variant has not been reported in the literature in individuals affected with DMXL2-related conditions. This variant is present in population databases (rs749487323, gnomAD 0.009%). This sequence change replaces arginine, which is basic and polar, with tryptophan, which is neutral and slightly polar, at codon 2795 of the DMXL2 protein (p.Arg2795Trp).

NM_001378457.1(DMXL2):c.8446C>T (p.Arg2816Trp)

Gene: DMXL2 (Dmx like 2; minus strand). Cytogenetic location: 15q21.2.
Variant type: single nucleotide variant.
Coding change: c.8446C>T on transcript NM_001378457.1 (MANE Select); coding-DNA position 8446, C replaced by T.
Protein change: p.Arg2816Trp; replaces arginine 2816 with tryptophan.
Molecular consequence: missense variant. On other transcripts: non-coding transcript variant (2).
Genome position (GRCh38, 1-based): chr15:51,456,146, G>A on the plus strand (C>T on the coding strand, the complement: DMXL2 is on the minus strand). VCF-style: chr15-51456146-G-A. GRCh37 (hg19) VCF-style: chr15-51748343-G-A.
Other names: c.8383C>T, p.Arg2795Trp (NM_001174116.3); c.6472C>T, p.Arg2158Trp (NM_001174117.3); c.8443C>T, p.Arg2815Trp (NM_001378458.1); c.8158C>T, p.Arg2720Trp (NM_001378459.1); c.6361C>T, p.Arg2121Trp (NM_001378460.1); c.8380C>T, p.Arg2794Trp (NM_015263.5); c.8383C>T (NM_001174116.1); short protein forms R2158W, R2795W, R2121W, R2794W, R2720W, R2815W, R2816W.
Identifiers: ClinVar variation 1484033 (VCV001484033.7), dbSNP rs749487323, ClinGen allele CA7561019.